The following is an entry in ClinVar:

NM_012471.3(TRPC5):c.2204_2205del (p.His735fs)

Gene: TRPC5 (transient receptor potential cation channel subfamily C member 5; minus strand). Cytogenetic location: Xq23.
Variant type: Deletion.
Coding change: c.2204_2205del on transcript NM_012471.3 (MANE Select); coding-DNA positions 2204 to 2205, 2 bases deleted (AT; older notation c.2204_2205delAT).
Protein change: p.His735fs; shifts the reading frame from histidine 735.
Molecular consequence: frameshift variant.
Genome position (GRCh38, 1-based): chrX:111,779,012-111,779,013, AT deleted on the plus strand (AT on the coding strand, the reverse complement: TRPC5 is on the minus strand). VCF-style (leftmost placement, unchanged base first): chrX-111779011-CAT-C. GRCh37 (hg19) VCF-style: chrX-111022239-CAT-C.
Other names: short protein forms H735fs.
Identifiers: ClinVar variation 3348817 (VCV003348817.1).
Genomic context (GRCh38, chrX:111,779,011, plus strand): 5'-TGTAAAATGAAAAACCACTTCATGATTAAATTACCTTAAAATTTTCTTCTGTAAGTCCCT[CAT>C]GTGTTTTGGAATTTCTTATCATAGCAGCCACATATCTTTTGACTAAATTCCTGATAACTT-3'

ClinVar aggregate classification (germline): Uncertain significance (0 of 4 stars; one submission).

Conditions:
TRPC5-related disorder. Also called: TRPC5-related condition.

Submission:

PreventionGenetics, part of Exact Sciences
Classification: Uncertain significance for TRPC5-related condition. Last evaluated: 2023-11-13. Review status: no assertion criteria provided. Collection method: clinical testing. Allele origin: germline.
Comment: The TRPC5 c.2204_2205delAT variant is predicted to result in a frameshift and premature protein termination (p.His735Argfs*9). To our knowledge, this variant has not been reported in the literature or in a large population database, indicating this variant is rare. At this time, the clinical significance of this variant is uncertain due to the absence of conclusive functional and genetic evidence.